The following is an entry in ClinVar:

NM_013275.6(ANKRD11):c.6641A>G (p.Asp2214Gly)

Gene: ANKRD11 (ankyrin repeat domain containing 11; minus strand). Cytogenetic location: 16q24.3.
Variant type: single nucleotide variant.
Coding change: c.6641A>G on transcript NM_013275.6 (MANE Select); coding-DNA position 6641, A replaced by G.
Protein change: p.Asp2214Gly; replaces aspartic acid 2214 with glycine.
Molecular consequence: missense variant.
Genome position (GRCh38, 1-based): chr16:89,279,901, T>C on the plus strand (A>G on the coding strand, the complement: ANKRD11 is on the minus strand). VCF-style: chr16-89279901-T-C. GRCh37 (hg19) VCF-style: chr16-89346309-T-C.
Other names: c.6641A>G, p.Asp2214Gly (NM_001256182.2, NM_001256183.2); short protein forms D2214G.
Identifiers: ClinVar variation 2499349 (VCV002499349.1), dbSNP rs1180020342, ClinGen allele CA397150310.

ClinVar aggregate classification (germline): Uncertain significance (1 of 4 stars; one submission).

Allele frequency attached by ClinVar (database versions not stated): gnomAD exomes below 0.00001; TOPMed below 0.00001.
gnomAD v4.1: 4 of 1,607,980 alleles (0.00025%); highest among the groups gnomAD compares: Non-Finnish European, 0.00034%; no homozygotes.

Submission:

GeneDx
Classification: Uncertain significance. Last evaluated: 2022-10-13. Review status: criteria provided, single submitter. Criteria: GeneDx Variant Classification Process June 2021. Collection method: clinical testing. Allele origin: germline. Affected: yes.
Comment: Not observed at significant frequency in large population cohorts (gnomAD); In silico analysis supports that this missense variant does not alter protein structure/function; Has not been previously published as pathogenic or benign to our knowledge